The following is an entry in ClinVar:

NM_017514.5(PLXNA3):c.2672C>G (p.Ala891Gly)

Gene: PLXNA3 (plexin A3; plus strand). Cytogenetic location: Xq28.
Variant type: single nucleotide variant.
Coding change: c.2672C>G on transcript NM_017514.5 (MANE Select); coding-DNA position 2672, C replaced by G.
Protein change: p.Ala891Gly; replaces alanine 891 with glycine.
Molecular consequence: missense variant.
Genome position (GRCh38, 1-based): chrX:154,466,074, C>G. VCF-style: chrX-154466074-C-G. GRCh37 (hg19) VCF-style: chrX-153694417-C-G.
Other names: short protein forms A891G.
Identifiers: ClinVar variation 3354612 (VCV003354612.1).

ClinVar aggregate classification (germline): Uncertain significance (0 of 4 stars; one submission).

Conditions:
PLXNA3-related disorder. Also called: PLXNA3-related condition.

Submission:

PreventionGenetics, part of Exact Sciences
Classification: Uncertain significance for PLXNA3-related condition. Last evaluated: 2024-05-16. Review status: no assertion criteria provided. Collection method: clinical testing. Allele origin: germline.
Comment: The PLXNA3 c.2672C>G variant is predicted to result in the amino acid substitution p.Ala891Gly. To our knowledge, this variant has not been reported in the literature. This variant is reported in 0.0074% of alleles in individuals of Latino descent in gnomAD, including one hemizygous individual. At this time, the clinical significance of this variant is uncertain due to the absence of conclusive functional and genetic evidence.